The following is an entry in ClinVar:

NM_001134363.3(RBM20):c.2550+246C>T

Gene: RBM20 (RNA binding motif protein 20; plus strand). Cytogenetic location: 10q25.2.
Variant type: single nucleotide variant.
Coding change: c.2550+246C>T on transcript NM_001134363.3 (MANE Select); 246 bases into the intron after coding-DNA position 2550, C replaced by T.
Molecular consequence: intron variant.
Genome position (GRCh38, 1-based): chr10:110,813,193, C>T. VCF-style: chr10-110813193-C-T. GRCh37 (hg19) VCF-style: chr10-112572951-C-T.
Identifiers: ClinVar variation 4852737 (VCV004852737.2).

ClinVar aggregate classification (germline): Likely benign (1 of 4 stars; one submission).

gnomAD v4.1: 7 of 152,148 alleles (0.0046%); highest among the groups gnomAD compares: Non-Finnish European, 0.0074%; no homozygotes.

Submission:

Dasa
Classification: Likely benign. Last evaluated: 2025-12-27. Review status: criteria provided, single submitter. Criteria: DASA Assertion Criteria. Collection method: clinical testing. Allele origin: germline.
Comment: NM_001134363.3(RBM20):c.2550+246C>T is an intronic variant. The variant context is inconsistent with a known disease-causing mechanism. Computational prediction algorithms are consistent with a benign effect. Therefore, based on the currently available evidence, this variant is classified as likely benign.